The following is an entry in ClinVar:

ClinVar aggregate classification (germline): Uncertain significance (1 of 4 stars; one submission).

Submission:

Dasa
Classification: Uncertain significance. Last evaluated: 2025-06-30. Review status: criteria provided, single submitter. Criteria: DASA Assertion Criteria. Collection method: clinical testing. Allele origin: germline.
Comment: NM_001386298.1(CIC):c.2551G>A (p.Gly851Arg) is a missense variant that results in the substitution of glycine with arginine. This variant is absent from population databases. The currently available literature and clinical evidence are not sufficient to establish a definitive association between this variant and the reported condition. Therefore, this variant is classified as a variant of uncertain significance.

NM_001386298.1(CIC):c.2551G>A (p.Gly851Arg)

Gene: CIC (capicua transcriptional repressor; plus strand). Cytogenetic location: 19q13.2.
Variant type: single nucleotide variant.
Coding change: c.2551G>A on transcript NM_001386298.1 (MANE Select); coding-DNA position 2551, G replaced by A.
Protein change: p.Gly851Arg; replaces glycine 851 with arginine.
Molecular consequence: missense variant.
Genome position (GRCh38, 1-based): chr19:42,274,334, G>A. VCF-style: chr19-42274334-G-A. GRCh37 (hg19) VCF-style: chr19-42778486-G-A.
Other names: c.2551G>A, p.Gly851Arg (NM_001304815.2, NM_001379480.1, NM_001379482.1 and 6 more transcripts); short protein forms G851R.
Identifiers: ClinVar variation 4883589 (VCV004883589.2).